The following is an entry in ClinVar:

ClinVar aggregate classification (germline): Uncertain significance. Review status: criteria provided, multiple submitters, no conflicts (2 of 4 stars). 4 submissions from 4 submitters: Uncertain significance (4). Last evaluated 2024-09-06.

Conditions:
3M syndrome 2. Also called: 3-M Syndrome, OBSL1-Related; THREE M SYNDROME 2. Identifiers: Orphanet 2616, MedGen C2752041, MONDO:0013039, OMIM 612921.

Allele frequency attached by ClinVar (database versions not stated): ExAC 0.00003; gnomAD exomes 0.00003 and 0.00004; gnomAD 0.00005; TOPMed 0.00005.
gnomAD v4.1: 72 of 1,610,846 alleles (0.0045%); highest among the groups gnomAD compares: Admixed American, 0.0067%; no homozygotes.

Submissions (4):

Labcorp Genetics (formerly Invitae), Labcorp
Classification: Uncertain significance. Last evaluated: 2024-09-06. Review status: criteria provided, single submitter. Criteria: Invitae Variant Classification Sherloc (09022015). Collection method: clinical testing. Allele origin: germline.
Comment: This sequence change creates a premature translational stop signal (p.Arg1474*) in the OBSL1 gene. However, it is currently unclear if variants that occur in this region of the gene cause disease. The frequency data for this variant in the population databases is considered unreliable, as metrics indicate poor data quality at this position in the gnomAD database. This variant has not been reported in the literature in individuals affected with OBSL1-related conditions. ClinVar contains an entry for this variant (Variation ID: 1018270). In summary, the available evidence is currently insufficient to determine the role of this variant in disease. Therefore, it has been classified as a Variant of Uncertain Significance.

Department of Pathology and Laboratory Medicine, Sinai Health System
Classification: Uncertain significance for 3M syndrome 2. Last evaluated: 2023-04-17. Review status: criteria provided, single submitter. Criteria: ACMG Guidelines, 2015. Collection method: research. Allele origin: germline.

Women's Health and Genetics/Laboratory Corporation of America, LabCorp
Classification: Uncertain significance. Last evaluated: 2021-12-01. Review status: criteria provided, single submitter. Criteria: LabCorp Variant Classification Summary - May 2015. Collection method: clinical testing. Allele origin: germline.
Comment: Variant summary: OBSL1 c.4420C>T (p.Arg1474X) results in a premature termination codon, which falls onto the last exon in certain protein isoforms (NM_001173431.1), not expected to cause nonsense mediated decay (NMD), but is predicted to cause a truncation of the encoded protein. No truncations downstream of this position have been reported in affected individuals (HGMD). The variant allele was found at a frequency of 3.3e-05 in 242386 control chromosomes (gnomAD). To our knowledge, no occurrence of c.4420C>T in individuals affected with Three M Syndrome 2 and no experimental evidence demonstrating its impact on protein function have been reported. Two clinical diagnostic laboratories have submitted clinical-significance assessments for this variant to ClinVar after 2014 and classified the variant as pathogenic (n=1) and as variant of uncertain significance (n=1). Based on the evidence outlined above, the variant was classified as uncertain significance.

Baylor Genetics
Classification: Uncertain significance for 3M syndrome 2. Review status: criteria provided, single submitter. Criteria: ACMG Guidelines, 2015. Collection method: clinical testing. Allele origin: unknown.

NM_015311.3(OBSL1):c.4420C>T (p.Arg1474Ter)

Gene: OBSL1 (obscurin like cytoskeletal adaptor 1; minus strand). Cytogenetic location: 2q35.
Variant type: single nucleotide variant.
Coding change: c.4420C>T on transcript NM_015311.3 (MANE Select); coding-DNA position 4420, C replaced by T.
Protein change: p.Arg1474Ter; replaces arginine 1474 with a stop codon.
Molecular consequence: nonsense.
Genome position (GRCh38, 1-based): chr2:219,556,209, G>A on the plus strand (C>T on the coding strand, the complement: OBSL1 is on the minus strand). VCF-style: chr2-219556209-G-A. GRCh37 (hg19) VCF-style: chr2-220420931-G-A.
Other names: c.4420C>T, p.Arg1474Ter (NM_001173431.2); short protein forms R1474*.
Identifiers: ClinVar variation 1018270 (VCV001018270.8), dbSNP rs764560783, ClinGen allele CA2130553.